The following is an entry in ClinVar:

NM_006158.5(NEFL):c.1309C>T (p.Arg437Cys)

Gene: NEFL (neurofilament light chain; minus strand). Cytogenetic location: 8p21.2.
Variant type: single nucleotide variant.
Coding change: c.1309C>T on transcript NM_006158.5 (MANE Select); coding-DNA position 1309, C replaced by T.
Protein change: p.Arg437Cys; replaces arginine 437 with cysteine.
Molecular consequence: missense variant.
Genome position (GRCh38, 1-based): chr8:24,953,656, G>A on the plus strand (C>T on the coding strand, the complement: NEFL is on the minus strand). VCF-style: chr8-24953656-G-A. GRCh37 (hg19) VCF-style: chr8-24811170-G-A.
Other names: short protein forms R437C.
Identifiers: ClinVar variation 1520471 (VCV001520471.9), dbSNP rs1231546543, ClinGen allele CA370620209.

ClinVar aggregate classification (germline): Uncertain significance. Review status: criteria provided, multiple submitters, no conflicts (2 of 4 stars). 3 submissions from 3 submitters: Uncertain significance (3). Last evaluated 2026-09-01.

Conditions:
Inborn genetic diseases. Identifiers: MedGen C0950123, MeSH D030342.
Charcot-Marie-Tooth disease type 2E (CMT2E). Also called: CHARCOT-MARIE-TOOTH DISEASE, AXONAL, TYPE 2E; CHARCOT-MARIE-TOOTH NEUROPATHY, TYPE 2E. Identifiers: Orphanet 99939, MedGen C1843225, MONDO:0011894, OMIM 607684.

Allele frequency attached by ClinVar (database versions not stated): gnomAD exomes below 0.00001 and 0.00001; gnomAD 0.00001; TOPMed 0.00001.

Submissions (3):

CeGaT Center for Human Genetics Tuebingen
Classification: Uncertain significance. Last evaluated: 2026-09-01. Review status: criteria provided, single submitter. Criteria: CeGaT Center For Human Genetics Tuebingen Variant Classification Criteria Version 2. Collection method: clinical testing. Allele origin: germline. Affected: yes. Observed: 1 variant allele.
Comment: NEFL: PM2

Labcorp Genetics (formerly Invitae), Labcorp
Classification: Uncertain significance for Charcot-Marie-Tooth disease type 2E. Last evaluated: 2022-04-09. Review status: criteria provided, single submitter. Criteria: Invitae Variant Classification Sherloc (09022015). Collection method: clinical testing. Allele origin: germline.
Comment: This variant is present in population databases (no rsID available, gnomAD 0.0009%). This sequence change replaces arginine, which is basic and polar, with cysteine, which is neutral and slightly polar, at codon 437 of the NEFL protein (p.Arg437Cys). This variant has not been reported in the literature in individuals affected with NEFL-related conditions. Experimental studies and prediction algorithms are not available or were not evaluated, and the functional significance of this variant is currently unknown. In summary, the available evidence is currently insufficient to determine the role of this variant in disease. Therefore, it has been classified as a Variant of Uncertain Significance.

Ambry Genetics
Classification: Uncertain significance for Inborn genetic diseases. Last evaluated: 2019-10-15. Review status: criteria provided, single submitter. Criteria: Ambry Variant Classification Scheme 2023. Collection method: clinical testing. Allele origin: germline.
Comment: The p.R437C variant (also known as c.1309C>T), located in coding exon 3 of the NEFL gene, results from a C to T substitution at nucleotide position 1309. The arginine at codon 437 is replaced by cysteine, an amino acid with highly dissimilar properties. This amino acid position is well conserved in available vertebrate species. In addition, this alteration is predicted to be deleterious by in silico analysis. Since supporting evidence is limited at this time, the clinical significance of this alteration remains unclear.